The following is an entry in ClinVar:

ClinVar aggregate classification (germline): Likely benign (1 of 4 stars; one submission).

Conditions:
Hereditary breast ovarian cancer syndrome. Also called: Hereditary breast and ovarian cancer; Hereditary breast and ovarian cancer syndrome (HBOC); Breast and ovarian cancer; Hereditary breast and/or ovarian cancer syndrome; BRCA1- and BRCA2-Associated Hereditary Breast and Ovarian Cancer; Hereditary breast and ovarian cancer syndrome. Identifiers: Orphanet 145, MedGen C0677776, MeSH D061325, MONDO:0003582. Disease mechanism: loss of function.

Allele frequency attached by ClinVar (database versions not stated): gnomAD exomes below 0.00001.
gnomAD v4.1: 1 of 1,613,896 alleles (0.000062%); highest among the groups gnomAD compares: Non-Finnish European, 0.000085%; no homozygotes.

Submissions (2):

Labcorp Genetics (formerly Invitae), Labcorp
Classification: Likely benign for Hereditary breast ovarian cancer syndrome. Last evaluated: 2023-01-06. Review status: criteria provided, single submitter. Criteria: Invitae Variant Classification Sherloc (09022015). Collection method: clinical testing. Allele origin: germline.

Brotman Baty Institute, University of Washington
No classification provided (evidence only). Condition: Breast-ovarian cancer, familial 1. Review status: no classification provided. Collection method: in vitro. Allele origin: not applicable. Functional consequence: functionally_normal. Not counted in ClinVar's aggregate classification.
ClinVar note: "not provided" was previously submitted as the classification for the variant. However, the classification appeared to be based only on an observation of functional data so it was converted to no classification on 2025-07-30.

NM_007294.4(BRCA1):c.5468-6C>T

Gene: BRCA1 (BRCA1 DNA repair associated; minus strand). Cytogenetic location: 17q21.31.
Variant type: single nucleotide variant.
Coding change: c.5468-6C>T on transcript NM_007294.4 (MANE Select); 6 bases into the intron before coding-DNA position 5468, C replaced by T.
Molecular consequence: intron variant.
Genome position (GRCh38, 1-based): chr17:43,045,808, G>A on the plus strand (C>T on the coding strand, the complement: BRCA1 is on the minus strand). VCF-style: chr17-43045808-G-A. GRCh37 (hg19) VCF-style: chr17-41197825-G-A.
Other names: c.5339-6C>T (NM_001407681.1, NM_001407687.1, NM_001407683.1 and 6 more transcripts); c.5342-6C>T (NM_001407675.1, NM_001407680.1, NM_001407672.1 and 8 more transcripts); c.5345-6C>T (NM_001407664.1, NM_001407666.1, NM_001407669.1 and 3 more transcripts); c.5411-6C>T (NM_001407648.1); c.2042-6C>T (NM_001408419.1, NM_001408418.1, NM_001408420.1); c.2153-6C>T (NM_001408403.1, NM_001408398.1, NM_001408400.1 and 7 more transcripts); c.2156-6C>T (NM_001407983.1, NM_001407992.1, NM_001407981.1 and 10 more transcripts); c.2159-6C>T (NM_001407975.1, NM_001407978.1, NM_001407977.1 and 3 more transcripts); and 83 more.
Identifiers: ClinVar variation 868557 (VCV000868557.6), dbSNP rs2050891161, ClinGen allele CA916080708.